The following is an entry in ClinVar:

NM_001267550.2(TTN):c.19528A>G (p.Ile6510Val)

Gene: TTN (titin; minus strand). Cytogenetic location: 2q31.2.
Variant type: single nucleotide variant.
Coding change: c.19528A>G on transcript NM_001267550.2 (MANE Select); coding-DNA position 19528, A replaced by G.
Protein change: p.Ile6510Val; replaces isoleucine 6510 with valine.
Molecular consequence: missense variant. On other transcripts: intron variant (3).
Genome position (GRCh38, 1-based): chr2:178,728,296, T>C on the plus strand (A>G on the coding strand, the complement: TTN is on the minus strand). VCF-style: chr2-178728296-T-C. GRCh37 (hg19) VCF-style: chr2-179593023-T-C.
Other names: p.I6193V:ATT>GTT; c.19528A>G (NM_001267550.1); c.18577A>G, p.Ile6193Val (NM_001256850.1); c.15796A>G, p.Ile5266Val (NM_133378.4); c.13282+9786A>G (NM_003319.4); c.13858+9786A>G (NM_133437.4); c.13657+9786A>G (NM_133432.3); short protein forms I6193V, I6510V, I5266V.
Identifiers: ClinVar variation 203279 (VCV000203279.3), dbSNP rs761041978, ClinGen allele CA311901.
Genomic context (GRCh38, chr2:178,728,296, plus strand): 5'-CAAGTCTGTATTTTGCACTTGTAGATATTTCTTTTCCATCCTTAAACCACTGAGCACTAA[T>C]GGGAAGTGAACCAGACACCTTGCACTCCATATGAATAGAAGAGCCCAGAACTTTATCCAT-3'
Protein context (NP_001254479.2, residues 6500-6520): MECKVSGSLP[Ile6510Val]SAQWFKDGKE

ClinVar aggregate classification (germline): Uncertain significance. Review status: criteria provided, multiple submitters, no conflicts (2 of 4 stars). 3 submissions from 3 submitters: Uncertain significance (3). Last evaluated 2021-10-18.

Conditions:
Myopathy, myofibrillar, 9, with early respiratory failure (MFM9). Also called: EDSTROM MYOPATHY; MYOPATHY, PROXIMAL, WITH EARLY RESPIRATORY MUSCLE INVOLVEMENT; Myopathy, distal, with early respiratory failure, autosomal dominant; Hereditary myopathy with early respiratory failure. Identifiers: Orphanet 178464, Orphanet 34521, MedGen C1863599, MONDO:0011362, OMIM 603689.
Early-onset myopathy with fatal cardiomyopathy (CMYO5). Also called: CONGENITAL MYOPATHY 5 WITH CARDIOMYOPATHY; Salih Myopathy. Identifiers: Orphanet 289377, MedGen C2673677, MONDO:0012714, OMIM 611705. Disease mechanism: loss of function.
Hypertrophic cardiomyopathy 9. Also called: Familial hypertrophic cardiomyopathy 9. Identifiers: MedGen C1861065, MONDO:0013412, OMIM 613765.
Dilated cardiomyopathy 1G (CMD1G). Identifiers: Orphanet 154, MedGen C1858763, MONDO:0011400, OMIM 604145.
Tibial muscular dystrophy (TMD). Also called: UDD MYOPATHY; Tibial muscular dystrophy, tardive; Udd Distal Myopathy – Tibial Muscular Dystrophy. Identifiers: Orphanet 609, MedGen C1838244, MONDO:0010870, OMIM 600334.
Autosomal recessive limb-girdle muscular dystrophy type 2J (LGMDR10). Also called: MUSCULAR DYSTROPHY, LIMB-GIRDLE, AUTOSOMAL RECESSIVE 10; Limb-girdle muscular dystrophy, type 2J. Identifiers: Orphanet 140922, MedGen C1837342, MONDO:0012127, OMIM 608807.

Allele frequency attached by ClinVar (database versions not stated): ExAC 0.00001; gnomAD exomes 0.00001 and 0.00004; TOPMed 0.00002; gnomAD 0.00003.
gnomAD v4.1: 62 of 1,613,132 alleles (0.0038%); highest among the groups gnomAD compares: Non-Finnish European, 0.005%; no homozygotes.

Submissions (3):

Athena Diagnostics
Classification: Uncertain significance. Last evaluated: 2021-10-18. Review status: criteria provided, single submitter. Criteria: Athena Diagnostics Criteria. Collection method: clinical testing. Allele origin: unknown.

Fulgent Genetics
Classification: Uncertain significance for Tibial muscular dystrophy; Myopathy, myofibrillar, 9, with early respiratory failure; Dilated cardiomyopathy 1G; Autosomal recessive limb-girdle muscular dystrophy type 2J; Early-onset myopathy with fatal cardiomyopathy; Hypertrophic cardiomyopathy 9. Last evaluated: 2021-07-30. Review status: criteria provided, single submitter. Criteria: ACMG Guidelines, 2015. Collection method: clinical testing. Allele origin: unknown.

GeneDx
Classification: Uncertain significance. Last evaluated: 2014-04-25. Review status: criteria provided, single submitter. Criteria: GeneDx Variant Classification (06012015). Collection method: clinical testing. Allele origin: germline. Affected: yes.
Comment: Missense variants in the TTN gene are considered 'unclassified' if they are not previously reported in the literature and do not have >1% frequency in the population to be considered a polymorphism. Research indicates that truncating mutations in the TTN gene are expected to account for approximately 25% of familial and 18% of sporadic idiopathic DCM; however, truncating variants in the TTN gene have been reported in approximately 3% of reported control alleles. There has been little investigation into non-truncating variants. (Herman D et al. Truncations of titin causing dilated cardiomyopathy. N Eng J Med 366:619-628, 2012) The variant is found in CARDIOMYOPATHY panel(s).